The following is an entry in ClinVar:

ClinVar aggregate classification (germline): Uncertain significance. Review status: criteria provided, multiple submitters, no conflicts (2 of 4 stars). 2 submissions from 2 submitters: Uncertain significance (2). Last evaluated 2025-09-23.

Conditions:
Hennekam lymphangiectasia-lymphedema syndrome 2 (HKLLS2). Identifiers: Orphanet 2136, MedGen C4014939, MONDO:0014454, OMIM 616006.
Van Maldergem syndrome 2 (VMLDS2). Identifiers: Orphanet 314679, MedGen C3809875, MONDO:0014242, OMIM 615546.

Allele frequency attached by ClinVar (database versions not stated): gnomAD exomes 0.00001 and 0.00002; gnomAD 0.00004; TOPMed 0.00006.

Submissions (2):

Labcorp Genetics (formerly Invitae), Labcorp
Classification: Uncertain significance. Last evaluated: 2025-09-23. Review status: criteria provided, single submitter. Criteria: Invitae Variant Classification Sherloc (09022015). Collection method: clinical testing. Allele origin: germline.
Comment: This sequence change replaces serine, which is neutral and polar, with asparagine, which is neutral and polar, at codon 149 of the FAT4 protein (p.Ser149Asn). This variant is present in population databases (no rsID available, gnomAD 0.02%). This variant has not been reported in the literature in individuals affected with FAT4-related conditions. ClinVar contains an entry for this variant (Variation ID: 1378439). Invitae Evidence Modeling of protein sequence and biophysical properties (such as structural, functional, and spatial information, amino acid conservation, physicochemical variation, residue mobility, and thermodynamic stability) indicates that this missense variant is not expected to disrupt FAT4 protein function with a negative predictive value of 95%. In summary, the available evidence is currently insufficient to determine the role of this variant in disease. Therefore, it has been classified as a Variant of Uncertain Significance.

Fulgent Genetics
Classification: Uncertain significance for Van Maldergem syndrome 2; Hennekam lymphangiectasia-lymphedema syndrome 2. Last evaluated: 2024-06-19. Review status: criteria provided, single submitter. Criteria: ACMG Guidelines, 2015. Collection method: clinical testing. Allele origin: germline.

NM_001291303.3(FAT4):c.446G>A (p.Ser149Asn)

Gene: FAT4 (FAT atypical cadherin 4; plus strand). Cytogenetic location: 4q28.1.
Variant type: single nucleotide variant.
Coding change: c.446G>A on transcript NM_001291303.3 (MANE Select); coding-DNA position 446, G replaced by A.
Protein change: p.Ser149Asn; replaces serine 149 with asparagine.
Molecular consequence: missense variant.
Genome position (GRCh38, 1-based): chr4:125,316,857, G>A. VCF-style: chr4-125316857-G-A. GRCh37 (hg19) VCF-style: chr4-126238012-G-A.
Other names: c.446G>A, p.Ser149Asn (NM_001291285.3, NM_024582.6); c.446G>A (NM_024582.5); short protein forms S149N.
Identifiers: ClinVar variation 1378439 (VCV001378439.7), dbSNP rs1003177796, ClinGen allele CA104860965.